The following is an entry in ClinVar:

ClinVar aggregate classification (germline): Uncertain significance (1 of 4 stars; one submission).

Conditions:
Cardiovascular phenotype. Identifiers: MedGen CN230736.

gnomAD v4.1: 12 of 1,611,978 alleles (0.00074%); highest among the groups gnomAD compares: Admixed American, 0.005%; no homozygotes.

Submission:

Ambry Genetics
Classification: Uncertain significance for Cardiovascular phenotype. Last evaluated: 2025-02-01. Review status: criteria provided, single submitter. Criteria: Ambry Variant Classification Scheme 2023. Collection method: clinical testing. Allele origin: germline.
Comment: The p.R3240C variant (also known as c.9718C>T), located in coding exon 27 of the TNXB gene, results from a C to T substitution at nucleotide position 9718. The arginine at codon 3240 is replaced by cysteine, an amino acid with highly dissimilar properties. This amino acid position is conserved. In addition, this alteration is predicted to be tolerated by in silico analysis. Based on the available evidence, the clinical significance of this variant remains unclear.

NM_001365276.2(TNXB):c.9724C>T (p.Arg3242Cys)

Gene: TNXB (tenascin XB; minus strand). Cytogenetic location: 6p21.33.
Variant type: single nucleotide variant.
Coding change: c.9724C>T on transcript NM_001365276.2 (MANE Select); coding-DNA position 9724, C replaced by T.
Protein change: p.Arg3242Cys; replaces arginine 3242 with cysteine.
Molecular consequence: missense variant.
Genome position (GRCh38, 1-based): chr6:32,049,303, G>A on the plus strand (C>T on the coding strand, the complement: TNXB is on the minus strand). VCF-style: chr6-32049303-G-A. GRCh37 (hg19) VCF-style: chr6-32017080-G-A.
Other names: c.10465C>T, p.Arg3489Cys (NM_001428335.1); c.9718C>T, p.Arg3240Cys (NM_019105.8); short protein forms R3240C, R3489C, R3242C.
Identifiers: ClinVar variation 3459937 (VCV003459937.2).